The following is an entry in ClinVar:

ClinVar aggregate classification (germline): Benign/Likely benign. Review status: criteria provided, multiple submitters, no conflicts (2 of 4 stars). 12 submissions from 12 submitters: Benign (6); Likely benign (1). 5 of the submissions do not count toward it. Last evaluated 2026-02-03.

Conditions:
Cardiomyopathy (CMYO). Also called: Cardiomyopathies. Identifiers: Orphanet 167848, MedGen C0878544, MONDO:0004994, HP:0001638. Inheritance: Various modes of inheritance.
Hypertrophic cardiomyopathy 14. Identifiers: MedGen C2750467, MONDO:0013197, OMIM 613251.

Allele frequency attached by ClinVar (database versions not stated): 1000 Genomes Project 30x 0.00453; 1000 Genomes Project 0.00539; TOPMed 0.00685; gnomAD 0.00737 and 0.00762; ESP Exome Variant Server 0.00846; gnomAD exomes 0.00857; ExAC 0.00961.
gnomAD v4.1: 17,476 of 1,614,092 alleles (1.1%); highest among the groups gnomAD compares: Non-Finnish European, 1.2%; 115 homozygotes.

Submissions (12):

Labcorp Genetics (formerly Invitae), Labcorp
Classification: Benign for Hypertrophic cardiomyopathy 14. Last evaluated: 2026-02-03. Review status: criteria provided, single submitter. Criteria: Invitae Variant Classification Sherloc (09022015). Collection method: clinical testing. Allele origin: germline.

ARUP Laboratories, Molecular Genetics and Genomics, ARUP Laboratories
Classification: Benign. Last evaluated: 2025-05-29. Review status: criteria provided, single submitter. Criteria: ARUP Molecular Germline Variant Investigation Process 2024. Collection method: clinical testing. Allele origin: germline.

Blueprint Genetics
Classification: Likely benign. Last evaluated: 2024-11-22. Review status: criteria provided, single submitter. Criteria: ACMG Guidelines, 2015. Collection method: clinical testing. Allele origin: germline.

Center for Advanced Laboratory Medicine, UC San Diego Health, University of California San Diego
Classification: Benign for Cardiomyopathy. Last evaluated: 2019-02-26. Review status: criteria provided, single submitter. Criteria: ACMG Guidelines, 2015. Collection method: clinical testing. Allele origin: germline. Affected: yes. Observed: 1 variant allele.

GeneDx
Classification: Benign. Last evaluated: 2016-10-05. Review status: criteria provided, single submitter. Criteria: GeneDx Variant Classification (06012015). Collection method: clinical testing. Allele origin: germline. Affected: yes.
Comment: This variant is considered likely benign or benign based on one or more of the following criteria: it is a conservative change, it occurs at a poorly conserved position in the protein, it is predicted to be benign by multiple in silico algorithms, and/or has population frequency not consistent with disease.

Laboratory for Molecular Medicine, Mass General Brigham Personalized Medicine
Classification: Benign. Last evaluated: 2012-03-01. Review status: criteria provided, single submitter. Criteria: LMM Criteria. Collection method: clinical testing. Allele origin: germline. Observed: 30 variant alleles.
Comment: 4959+13G>A in intron 33 of MYH6: This variant is not expected to have clinical s ignificance because it has been identified in 1.1% (77/7020) of European America n chromosomes from a broad population by the NHLBI Exome Sequencing Project (dbSNP rs28730765).

Breakthrough Genomics
Classification: Benign. Review status: criteria provided, single submitter. Criteria: ACMG Guidelines, 2015. Collection method: not provided. Allele origin: germline. Inheritance: Autosomal dominant inheritance. Affected: yes.

Women's Health and Genetics/Laboratory Corporation of America, LabCorp
Classification: Benign for Cardiomyopathy. Last evaluated: 2015-05-27. Review status: no assertion criteria provided. Collection method: clinical testing. Allele origin: germline. Not counted in ClinVar's aggregate classification.

Clinical Genetics DNA and cytogenetics Diagnostics Lab, Erasmus MC, Erasmus Medical Center
Classification: Benign. Review status: no assertion criteria provided. Collection method: clinical testing. Allele origin: germline. Affected: yes. Study: VKGL Data-share Consensus. Not counted in ClinVar's aggregate classification.

Clinical Genetics, Academic Medical Center
Classification: Benign. Review status: no assertion criteria provided. Collection method: clinical testing. Allele origin: germline. Affected: yes. Study: VKGL Data-share Consensus. Not counted in ClinVar's aggregate classification.

Genome Diagnostics Laboratory, University Medical Center Utrecht
Classification: Benign. Review status: no assertion criteria provided. Collection method: clinical testing. Allele origin: germline. Affected: yes. Study: VKGL Data-share Consensus. Not counted in ClinVar's aggregate classification.

Joint Genome Diagnostic Labs from Nijmegen and Maastricht, Radboudumc and MUMC+
Classification: Benign. Review status: no assertion criteria provided. Collection method: clinical testing. Allele origin: germline. Affected: yes. Study: VKGL Data-share Consensus. Not counted in ClinVar's aggregate classification.

NM_002471.4(MYH6):c.4959+13G>A

Genes: MYH6 (myosin heavy chain 6; minus strand), LOC126861896 (BRD4-independent group 4 enhancer GRCh37_chr14:23854904-23856103; plus strand). Cytogenetic location: 14q11.2.
Variant type: single nucleotide variant.
Coding change: c.4959+13G>A on transcript NM_002471.4 (MANE Select); 13 bases into the intron after coding-DNA position 4959, G replaced by A.
Molecular consequence: intron variant.
Genome position (GRCh38, 1-based): chr14:23,386,302, C>T on the plus strand (G>A on the coding strand, the complement: MYH6 is on the minus strand). VCF-style: chr14-23386302-C-T. GRCh37 (hg19) VCF-style: chr14-23855511-C-T.
Identifiers: ClinVar variation 36631 (VCV000036631.31), dbSNP rs28730765, ClinGen allele CA134450.